The following is an entry in ClinVar:

NM_006180.6(NTRK2):c.1234A>G (p.Asn412Asp)

Gene: NTRK2 (neurotrophic receptor tyrosine kinase 2; plus strand). Cytogenetic location: 9q21.33.
Variant type: single nucleotide variant.
Coding change: c.1234A>G on transcript NM_006180.6 (MANE Select); coding-DNA position 1234, A replaced by G.
Protein change: p.Asn412Asp; replaces asparagine 412 with aspartic acid.
Molecular consequence: missense variant.
Genome position (GRCh38, 1-based): chr9:84,745,011, A>G. VCF-style: chr9-84745011-A-G. GRCh37 (hg19) VCF-style: chr9-87359926-A-G.
Other names: c.1234A>G, p.Asn412Asp (NM_001369544.1, NM_001369545.1, NM_001369547.1 and 15 more transcripts); c.1195A>G, p.Asn399Asp (NM_001369546.1, NM_001291937.2); c.766A>G, p.Asn256Asp (NM_001369550.1, NM_001369551.1, NM_001369552.1 and 2 more transcripts); c.1198A>G, p.Asn400Asp (NM_001369534.1); short protein forms N256D, N399D, N400D, N412D.
Identifiers: ClinVar variation 1696741 (VCV001696741.9), dbSNP rs201342791, ClinGen allele CA195752634.

ClinVar aggregate classification (germline): Uncertain significance. Review status: criteria provided, multiple submitters, no conflicts (2 of 4 stars). 2 submissions from 2 submitters: Uncertain significance (2). Last evaluated 2025-04-01.

Conditions:
Developmental and epileptic encephalopathy, 58. Also called: EPILEPTIC ENCEPHALOPATHY, EARLY INFANTILE, 58. Identifiers: MedGen C4693367, MONDO:0033367, OMIM 617830.
Obesity, hyperphagia, and developmental delay (OBHD). Identifiers: Orphanet 99704, MedGen C3151303, MONDO:0013483, OMIM 613886.

Allele frequency attached by ClinVar (database versions not stated): gnomAD exomes below 0.00001.
gnomAD v4.1: 1 of 1,613,808 alleles (0.000062%); highest among the groups gnomAD compares: Non-Finnish European, 0.000085%; no homozygotes.

Submissions (2):

CeGaT Center for Human Genetics Tuebingen
Classification: Uncertain significance. Last evaluated: 2025-04-01. Review status: criteria provided, single submitter. Criteria: CeGaT Center For Human Genetics Tuebingen Variant Classification Criteria Version 2. Collection method: clinical testing. Allele origin: germline. Affected: yes. Observed: 1 variant allele.
Comment: NTRK2: PM2, BP4

New York Genome Center
Classification: Uncertain significance for Obesity, hyperphagia, and developmental delay; Developmental and epileptic encephalopathy, 58. Last evaluated: 2021-05-27. Review status: criteria provided, single submitter. Criteria: NYGC Assertion Criteria 2020. Collection method: clinical testing. Allele origin: inherited. Observed: 1 heterozygote. Study: CSER-NYCKidSeq.